The following is an entry in ClinVar:

NM_000179.3(MSH6):c.3927_3938dup (p.Glu1310_Ile1313dup)

Gene: MSH6 (mutS homolog 6; plus strand). Cytogenetic location: 2p16.3.
Variant type: Duplication.
Coding change: c.3927_3938dup on transcript NM_000179.3 (MANE Select); coding-DNA positions 3927 to 3938, 12 bases duplicated (AGAGGAAGTTAT).
Protein change: p.Glu1310_Ile1313dup.
Molecular consequence: inframe insertion.
Genome position (GRCh38, 1-based): chr2:47,806,577-47,806,588, AGAGGAAGTTAT duplicated. VCF-style (leftmost placement, unchanged base first): chr2-47806576-C-CAGAGGAAGTTAT. GRCh37 (hg19) VCF-style: chr2-48033715-C-CAGAGGAAGTTAT.
Other names: c.3537_3548dup, p.Glu1180_Ile1183dup (NM_001281492.2); c.3021_3032dup, p.Glu1008_Ile1011dup (NM_001281493.2, NM_001281494.2); c.3927_3938dupAGAGGAAGTTAT (NM_000179.2).
Identifiers: ClinVar variation 922119 (VCV000922119.5), dbSNP rs1670125444, ClinGen allele CA913188045.

ClinVar aggregate classification (germline): Conflicting classifications of pathogenicity. Review status: criteria provided, conflicting classifications (1 of 4 stars). 3 submissions from 3 submitters: Likely pathogenic (1); Uncertain significance (2). Last evaluated 2025-04-02.

Conditions:
Hereditary nonpolyposis colorectal neoplasms. Identifiers: MedGen C0009405, MeSH D003123.
Hereditary cancer-predisposing syndrome. Also called: Neoplastic Syndromes, Hereditary; Tumor predisposition; Hereditary Cancer Syndrome; Hereditary neoplastic syndrome. Identifiers: Orphanet 140162, MedGen C0027672, MeSH D009386, MONDO:0015356.

Submissions (3):

Labcorp Genetics (formerly Invitae), Labcorp
Classification: Uncertain significance for Hereditary nonpolyposis colorectal neoplasms. Last evaluated: 2025-04-02. Review status: criteria provided, single submitter. Criteria: Invitae Variant Classification Sherloc (09022015). Collection method: clinical testing. Allele origin: germline.
Comment: This variant, c.3927_3938dup, results in the insertion of 4 amino acid(s) of the MSH6 protein (p.Glu1310_Ile1313dup), but otherwise preserves the integrity of the reading frame. This variant is not present in population databases (gnomAD no frequency). This variant has been observed in individual(s) with Lynch syndrome (PMID: 21642682). ClinVar contains an entry for this variant (Variation ID: 922119). Experimental studies and prediction algorithms are not available or were not evaluated, and the functional significance of this variant is currently unknown. In summary, the available evidence is currently insufficient to determine the role of this variant in disease. Therefore, it has been classified as a Variant of Uncertain Significance.

Ambry Genetics
Classification: Likely pathogenic for Hereditary cancer-predisposing syndrome. Last evaluated: 2020-03-25. Review status: criteria provided, single submitter. Criteria: Ambry Variant Classification Scheme 2023. Collection method: clinical testing. Allele origin: germline.
Comment: The c.3927_3938dup12 variant (also known as p.E1310_I1313dup), located in coding exon 9 of the MSH6 gene, results from an in-frame duplication of 12 nucleotides at nucleotide positions 3927 to 3938. This results in the duplication of 4 extra residues (EEVI) between codons 1310 and 1313. This alteration has been observed in at least one individual whose endometrial tumor demonstrated loss of MSH6 expression on immunohistochemistry (IHC) and family history is consistent with Lynch syndrome-related tumors (Ambry internal data). This variant was not reported in population-based cohorts in the Genome Aggregation Database (gnomAD). In addition, this alteration is predicted to be deleterious by in silico analysis (Choi Y et al. PLoS ONE. 2012; 7(10):e46688). Based on the majority of available evidence to date, this variant is likely to be pathogenic.

Color Diagnostics, LLC DBA Color Health
Classification: Uncertain significance for Hereditary cancer-predisposing syndrome. Last evaluated: 2018-12-12. Review status: criteria provided, single submitter. Criteria: ACMG Guidelines, 2015. Collection method: clinical testing. Allele origin: germline.

Literature cited by the submitters: PubMed 21642682 (cited by Labcorp Genetics (formerly Invitae), Labcorp and Ambry Genetics); PubMed 17531815 (cited by Ambry Genetics).